The following is an entry in ClinVar:

NM_206933.4(USH2A):c.15131T>C (p.Ile5044Thr)

Gene: USH2A (usherin; minus strand). Cytogenetic location: 1q41.
Variant type: single nucleotide variant.
Coding change: c.15131T>C on transcript NM_206933.4 (MANE Select); coding-DNA position 15131, T replaced by C.
Protein change: p.Ile5044Thr; replaces isoleucine 5044 with threonine.
Molecular consequence: missense variant.
Genome position (GRCh38, 1-based): chr1:215,634,625, A>G on the plus strand (T>C on the coding strand, the complement: USH2A is on the minus strand). VCF-style: chr1-215634625-A-G. GRCh37 (hg19) VCF-style: chr1-215807967-A-G.
Other names: short protein forms I5044T.
Identifiers: ClinVar variation 3900813 (VCV003900813.1).

ClinVar aggregate classification (germline): Uncertain significance (1 of 4 stars; one submission).

gnomAD v4.1: 5 of 1,614,236 alleles (0.00031%); highest among the groups gnomAD compares: Middle Eastern, 0.016%; no homozygotes.

Submission:

GeneDx
Classification: Uncertain significance. Last evaluated: 2024-12-02. Review status: criteria provided, single submitter. Criteria: GeneDx Variant Classification Process June 2021. Collection method: clinical testing. Allele origin: germline. Affected: yes.
Comment: Not observed at significant frequency in large population cohorts (gnomAD); In silico analysis supports that this missense variant has a deleterious effect on protein structure/function; Has not been previously published as pathogenic or benign to our knowledge